The following is an entry in ClinVar:

NM_005142.3(CBLIF):c.764A>G (p.Asn255Ser)

Gene: CBLIF (cobalamin binding intrinsic factor; minus strand). Cytogenetic location: 11q12.1.
Variant type: single nucleotide variant.
Coding change: c.764A>G on transcript NM_005142.3 (MANE Select); coding-DNA position 764, A replaced by G.
Protein change: p.Asn255Ser; replaces asparagine 255 with serine.
Molecular consequence: missense variant.
Genome position (GRCh38, 1-based): chr11:59,837,281, T>C on the plus strand (A>G on the coding strand, the complement: CBLIF is on the minus strand). VCF-style: chr11-59837281-T-C. GRCh37 (hg19) VCF-style: chr11-59604754-T-C.
Other names: short protein forms N255S.
Identifiers: ClinVar variation 305035 (VCV000305035.19), dbSNP rs35867471, ClinGen allele CA6021482.

ClinVar aggregate classification (germline): Benign. Review status: criteria provided, multiple submitters, no conflicts (2 of 4 stars). 6 submissions from 6 submitters: Benign (5). 1 of the submissions does not count toward it. Last evaluated 2026-01-27.

Conditions:
Hereditary intrinsic factor deficiency (IFD). Also called: PERNICIOUS ANEMIA, CONGENITAL, DUE TO DEFECT OF INTRINSIC FACTOR; Congenital intrinsic factor deficiency. Identifiers: Orphanet 332, MedGen C2062370, MONDO:0009852, OMIM 261000.
CBLIF-related disorder. Also called: CBLIF-related condition.

Allele frequency attached by ClinVar (database versions not stated): gnomAD exomes 0.00227 and 0.00615; ExAC 0.00755; gnomAD 0.02399 and 0.02593; 1000 Genomes Project 0.02536; TOPMed 0.02697; 1000 Genomes Project 30x 0.02748; ESP Exome Variant Server 0.02802.
gnomAD v4.1: 7,058 of 1,612,854 alleles (0.44%); highest among the groups gnomAD compares: African/African-American, 8.5%; 297 homozygotes.

Submissions (10):

Labcorp Genetics (formerly Invitae), Labcorp
Classification: Benign for Hereditary intrinsic factor deficiency. Last evaluated: 2026-01-27. Review status: criteria provided, single submitter. Criteria: Invitae Variant Classification Sherloc (09022015). Collection method: clinical testing. Allele origin: germline.

ARUP Laboratories, Molecular Genetics and Genomics, ARUP Laboratories
Classification: Benign. Last evaluated: 2023-11-29. Review status: criteria provided, single submitter. Criteria: ARUP Molecular Germline Variant Investigation Process 2024. Collection method: clinical testing. Allele origin: germline.

GeneDx
Classification: Benign. Last evaluated: 2021-05-04. Review status: criteria provided, single submitter. Criteria: GeneDx Variant Classification Process June 2021. Collection method: clinical testing. Allele origin: germline. Affected: yes.

Illumina Laboratory Services, Illumina
Classification: Benign for Hereditary intrinsic factor deficiency. Last evaluated: 2018-01-12. Review status: criteria provided, single submitter. Criteria: ICSL Variant Classification Criteria 13 December 2019. Collection method: clinical testing. Allele origin: germline.
Comment: This variant was observed in the ICSL laboratory as part of a predisposition screen in an ostensibly healthy population. It had not been previously curated by ICSL or reported in the Human Gene Mutation Database (HGMD: prior to June 1st, 2018), and was therefore a candidate for classification through an automated scoring system. Utilizing variant allele frequency, disease prevalence and penetrance estimates, and inheritance mode, an automated score was calculated to assess if this variant is too frequent to cause the disease. Based on the score and internal cut-off values, a variant classified as benign is not then subjected to further curation. The score for this variant resulted in a classification of benign for this disease.

Breakthrough Genomics
Classification: Benign. Review status: criteria provided, single submitter. Criteria: ACMG Guidelines, 2015. Collection method: not provided. Allele origin: germline. Inheritance: Autosomal recessive inheritance. Affected: yes.

PreventionGenetics, part of Exact Sciences
Classification: Benign for CBLIF-related condition. Last evaluated: 2019-08-06. Review status: no assertion criteria provided. Collection method: clinical testing. Allele origin: germline. Not counted in ClinVar's aggregate classification.
Comment: This variant is classified as benign based on ACMG/AMP sequence variant interpretation guidelines (Richards et al. 2015 PMID: 25741868, with internal and published modifications).

Dr. Peter K. Rogan Lab, Western University
No classification provided (evidence only). Condition: Clear cell carcinoma of kidney. Review status: no classification provided. Collection method: in vitro. Allele origin: not applicable. Functional consequence: retained intron. Not counted in ClinVar's aggregate classification.

Dr. Peter K. Rogan Lab, Western University
No classification provided (evidence only). Condition: Uterine corpus endometrial carcinoma. Review status: no classification provided. Collection method: in vitro. Allele origin: not applicable. Functional consequence: retained intron. Not counted in ClinVar's aggregate classification.

Dr. Peter K. Rogan Lab, Western University
No classification provided (evidence only). Condition: Hepatocellular carcinoma. Review status: no classification provided. Collection method: in vitro. Allele origin: not applicable. Functional consequence: retained intron. Not counted in ClinVar's aggregate classification.

Dr. Peter K. Rogan Lab, Western University
No classification provided (evidence only). Condition: Cholangiocarcinoma. Review status: no classification provided. Collection method: in vitro. Allele origin: not applicable. Functional consequence: retained intron. Not counted in ClinVar's aggregate classification.